The following is an entry in ClinVar:

ClinVar aggregate classification (germline): Benign. Review status: criteria provided, multiple submitters, no conflicts (2 of 4 stars). 2 submissions from 2 submitters: Benign (2). Last evaluated 2024-11-27.

Allele frequency attached by ClinVar (database versions not stated): ESP Exome Variant Server 0.00008; gnomAD exomes 0.00017 and 0.00035; gnomAD 0.00022 and 0.00023; ExAC 0.00025; TOPMed 0.00026.

Submissions (2):

Labcorp Genetics (formerly Invitae), Labcorp
Classification: Benign. Last evaluated: 2024-11-27. Review status: criteria provided, single submitter. Criteria: Invitae Variant Classification Sherloc (09022015). Collection method: clinical testing. Allele origin: germline.

CeGaT Center for Human Genetics Tuebingen
Classification: Benign. Last evaluated: 2023-02-01. Review status: criteria provided, single submitter. Criteria: CeGaT Center For Human Genetics Tuebingen Variant Classification Criteria Version 2. Collection method: clinical testing. Allele origin: germline. Affected: yes. Observed: 1 variant allele.
Comment: KMT2C: BP4, BS1, BS2

NM_170606.3(KMT2C):c.5456T>C (p.Met1819Thr)

Gene: KMT2C (lysine methyltransferase 2C; minus strand). Cytogenetic location: 7q36.1.
Variant type: single nucleotide variant.
Coding change: c.5456T>C on transcript NM_170606.3 (MANE Select); coding-DNA position 5456, T replaced by C.
Protein change: p.Met1819Thr; replaces methionine 1819 with threonine.
Molecular consequence: missense variant.
Genome position (GRCh38, 1-based): chr7:152,182,404, A>G on the plus strand (T>C on the coding strand, the complement: KMT2C is on the minus strand). VCF-style: chr7-152182404-A-G. GRCh37 (hg19) VCF-style: chr7-151879489-A-G.
Other names: short protein forms M1819T.
Identifiers: ClinVar variation 1618144 (VCV001618144.32), dbSNP rs201351659, ClinGen allele CA4580254.